The following is an entry in ClinVar:

NM_001198950.3(MYO16):c.1073A>G (p.Asp358Gly)

Gene: MYO16 (myosin XVI; plus strand). Cytogenetic location: 13q33.3.
Variant type: single nucleotide variant.
Coding change: c.1073A>G on transcript NM_001198950.3 (MANE Select); coding-DNA position 1073, A replaced by G.
Protein change: p.Asp358Gly; replaces aspartic acid 358 with glycine.
Molecular consequence: missense variant.
Genome position (GRCh38, 1-based): chr13:108,823,254, A>G. VCF-style: chr13-108823254-A-G. GRCh37 (hg19) VCF-style: chr13-109475602-A-G.
Other names: c.1007A>G, p.Asp336Gly (NM_015011.3); short protein forms D336G, D358G.
Identifiers: ClinVar variation 721120 (VCV000721120.7), dbSNP rs144509002, ClinGen allele CA7044594.
Genomic context (GRCh38, chr13:108,823,254, plus strand): 5'-AAGAGCCTTTATCTGCTTCTACCTTAGCTCAAGAAGAGCCCTATGAAGAGATCATTCACG[A>G]TCTTCCCGTACTGTCGAGTAAGCTGTAAGTGTCTTCCTGCTTATTCTCTTTTGCCATCTT-3'
Protein context (NP_001185879.1, residues 348-368): QEEPYEEIIH[Asp358Gly]LPVLSSKLSP

ClinVar aggregate classification (germline): Benign. Review status: criteria provided, multiple submitters, no conflicts (2 of 4 stars). 3 submissions from 3 submitters: Benign (2). 1 of the submissions does not count toward it. Last evaluated 2019-12-31.

Conditions:
MYO16-related disorder. Also called: MYO16-related condition.

Allele frequency attached by ClinVar (database versions not stated): ESP Exome Variant Server 0.00008; gnomAD 0.00051 and 0.00087; gnomAD exomes 0.00093 and 0.00190; TOPMed 0.00115; ExAC 0.00181; 1000 Genomes Project 30x 0.00375; 1000 Genomes Project 0.00419.
gnomAD v4.1: 1,472 of 1,612,028 alleles (0.091%); highest among the groups gnomAD compares: East Asian, 2.8%; 27 homozygotes.

Submissions (3):

Labcorp Genetics (formerly Invitae), Labcorp
Classification: Benign. Last evaluated: 2019-12-31. Review status: criteria provided, single submitter. Criteria: Invitae Variant Classification Sherloc (09022015). Collection method: clinical testing. Allele origin: germline.

Breakthrough Genomics
Classification: Benign. Review status: criteria provided, single submitter. Criteria: ACMG Guidelines, 2015. Collection method: not provided. Allele origin: germline. Inheritance: Unknown mechanism. Affected: yes.

PreventionGenetics, part of Exact Sciences
Classification: Benign for MYO16-related condition. Last evaluated: 2019-03-21. Review status: no assertion criteria provided. Collection method: clinical testing. Allele origin: germline. Not counted in ClinVar's aggregate classification.
Comment: This variant is classified as benign based on ACMG/AMP sequence variant interpretation guidelines (Richards et al. 2015 PMID: 25741868, with internal and published modifications).